The following is an entry in ClinVar:

NM_001395413.1(POR):c.-14+11T>C

Genes: POR (cytochrome p450 oxidoreductase; plus strand), LOC129998680 (ATAC-STARR-seq lymphoblastoid silent region 18302; plus strand). Cytogenetic location: 7q11.23.
Variant type: single nucleotide variant.
Coding change: c.-14+11T>C on transcript NM_001395413.1 (MANE Select); 11 bases into the intron after 14 bases upstream of the start codon, T replaced by C.
Molecular consequence: intron variant. On other transcripts: 5 prime UTR variant (2).
Genome position (GRCh38, 1-based): chr7:75,915,190, T>C. VCF-style: chr7-75915190-T-C. GRCh37 (hg19) VCF-style: chr7-75544508-T-C.
Other names: c.-5+11T>C (NM_000941.2); c.-37T>C (NM_001382659.3); c.-490T>C (NM_001382662.3); c.-121+11T>C (NM_001367562.3); c.-487+11T>C (NM_001382658.3); c.-14+11T>C (NM_001382655.3); c.-113+11T>C (NM_001382657.2).
Identifiers: ClinVar variation 3052208 (VCV003052208.2), dbSNP rs1806480526, ClinGen allele CA1718141842.
Genomic context (GRCh38, chr7:75,915,190, plus strand): 5'-GGGCCTGAGCCCTGCCCAGGTGCCCGCAGAGAGCAGCCGGGCTGCCAGCGGTGAGTGCTA[T>C]CTTTCGCGGCGACGGCGGGGTGGGTGAGGTCGGGCCCCAAGACTCGGGGTTTGCCGGGCG-3'

ClinVar aggregate classification (germline): Likely benign (0 of 4 stars; one submission).

Conditions:
POR-related disorder. Also called: POR-related condition.

Allele frequency attached by ClinVar (database versions not stated): gnomAD exomes 0.00141.
gnomAD v4.1: 3 of 154,586 alleles (0.0019%); highest among the groups gnomAD compares: Middle Eastern, 0.17%; no homozygotes.

Submission:

PreventionGenetics, part of Exact Sciences
Classification: Likely benign for POR-related condition. Last evaluated: 2021-01-05. Review status: no assertion criteria provided. Collection method: clinical testing. Allele origin: germline.
Comment: This variant is classified as likely benign based on ACMG/AMP sequence variant interpretation guidelines (Richards et al. 2015 PMID: 25741868, with internal and published modifications).